The following is an entry in ClinVar:

ClinVar aggregate classification (germline): Likely pathogenic. Review status: criteria provided, single submitter (1 of 4 stars). 2 submissions from 2 submitters: Likely pathogenic (1). 1 of the submissions does not count toward it. Last evaluated 2024-01-24.

Conditions:
Ovarian dysgenesis 3 (ODG3). Identifiers: Orphanet 243, MedGen C3280471, MONDO:0013689, OMIM 614324.

Submissions (2):

GeneDx
Classification: Likely pathogenic. Last evaluated: 2024-01-24. Review status: criteria provided, single submitter. Criteria: GeneDx Variant Classification Process June 2021. Collection method: clinical testing. Allele origin: germline. Affected: yes.
Comment: In-frame deletion of 1 amino acid in a non-repeat region; Not observed at significant frequency in large population cohorts (gnomAD); In silico analysis supports a deleterious effect on protein structure/function; This variant is associated with the following publications: (PMID: 35352317)

OMIM
Classification: Pathogenic for OVARIAN DYSGENESIS 3. Last evaluated: 2025-06-02. Review status: no assertion criteria provided. Collection method: literature only. Allele origin: germline. Not counted in ClinVar's aggregate classification.

Literature cited by the submitters: PubMed 35352317 (cited by OMIM).

NM_016556.4(PSMC3IP):c.203AGA[1] (p.Lys69del)

Gene: PSMC3IP (PSMC3 interacting protein; minus strand). Cytogenetic location: 17q21.2.
Variant type: Microsatellite.
Coding change: c.203AGA[1] on transcript NM_016556.4 (MANE Select); one copy of the 3-base unit AGA starting at c.203; the reference has two copies in a row; one copy, 3 bases deleted.
Protein change: p.Lys69del; deletes lysine 69.
Molecular consequence: inframe deletion. On other transcripts: 5 prime UTR variant (2), non-coding transcript variant (3).
Genome position (GRCh38, 1-based): chr17:42,577,230-42,577,232, TCT deleted on the plus strand (AGA on the coding strand, the reverse complement: PSMC3IP is on the minus strand); deleting any 3 consecutive bases within chr17:42,577,230-42,577,235 gives the same sequence; the position shown is the placement nearest the transcript's 3' end. VCF-style (leftmost placement, unchanged base first): chr17-42577229-ATCT-A. GRCh37 (hg19) VCF-style: chr17-40729247-ATCT-A.
Other names: c.14AGA[1], p.Lys6del (NM_001256014.2); c.-168AGA[1] (NM_001256015.2); c.-54AGA[1] (NM_001256016.2); c.203AGA[1], p.Lys69del (NM_013290.7); c.206_208delAGA (NM_016556.4); short protein forms K69del, K6del.
Identifiers: ClinVar variation 3342726 (VCV003342726.2).